The following is an entry in ClinVar:

NM_173354.5(SIK1):c.1218C>G (p.Asp406Glu)

Gene: SIK1 (salt inducible kinase 1; minus strand). Cytogenetic location: 21q22.3.
Variant type: single nucleotide variant.
Coding change: c.1218C>G on transcript NM_173354.5 (MANE Select); coding-DNA position 1218, C replaced by G.
Protein change: p.Asp406Glu; replaces aspartic acid 406 with glutamic acid.
Molecular consequence: missense variant.
Genome position (GRCh38, 1-based): chr21:43,419,380, G>C on the plus strand (C>G on the coding strand, the complement: SIK1 is on the minus strand). VCF-style: chr21-43419380-G-C. GRCh37 (hg19) VCF-style: chr21-44839260-G-C.
Other names: short protein forms D406E.
Identifiers: ClinVar variation 851050 (VCV000851050.10), dbSNP rs1333644680, ClinGen allele CA410608482.

ClinVar aggregate classification (germline): Uncertain significance (1 of 4 stars; one submission).

Conditions:
Developmental and epileptic encephalopathy, 30 (DEE30). Also called: Epileptic encephalopathy, early infantile, 30. Identifiers: MedGen C4225360, MONDO:0014595, OMIM 616341.

Allele frequency attached by ClinVar (database versions not stated): gnomAD exomes below 0.00001.

Submission:

Labcorp Genetics (formerly Invitae), Labcorp
Classification: Uncertain significance for Developmental and epileptic encephalopathy, 30. Last evaluated: 2026-01-11. Review status: criteria provided, single submitter. Criteria: Invitae Variant Classification Sherloc (09022015). Collection method: clinical testing. Allele origin: germline.
Comment: This sequence change replaces aspartic acid, which is acidic and polar, with glutamic acid, which is acidic and polar, at codon 406 of the SIK1 protein (p.Asp406Glu). This variant is present in population databases (no rsID available, gnomAD 0.007%). This variant has not been reported in the literature in individuals affected with SIK1-related conditions. ClinVar contains an entry for this variant (Variation ID: 851050). Invitae Evidence Modeling of protein sequence and biophysical properties (such as structural, functional, and spatial information, amino acid conservation, physicochemical variation, residue mobility, and thermodynamic stability) indicates that this missense variant is not expected to disrupt SIK1 protein function with a negative predictive value of 95%. In summary, the available evidence is currently insufficient to determine the role of this variant in disease. Therefore, it has been classified as a Variant of Uncertain Significance.